The following is an entry in ClinVar:

NM_004415.4(DSP):c.5648C>T (p.Ser1883Leu)

Gene: DSP (desmoplakin; plus strand). Cytogenetic location: 6p24.3.
Variant type: single nucleotide variant.
Coding change: c.5648C>T on transcript NM_004415.4 (MANE Select); coding-DNA position 5648, C replaced by T.
Protein change: p.Ser1883Leu; replaces serine 1883 with leucine.
Molecular consequence: missense variant.
Genome position (GRCh38, 1-based): chr6:7,582,910, C>T. VCF-style: chr6-7582910-C-T. GRCh37 (hg19) VCF-style: chr6-7583143-C-T.
Other names: c.3851C>T, p.Ser1284Leu (NM_001008844.3); c.4319C>T, p.Ser1440Leu (NM_001319034.2); short protein forms S1284L, S1440L, S1883L.
Identifiers: ClinVar variation 1171100 (VCV001171100.6), dbSNP rs1418959797, ClinGen allele CA362689097.

ClinVar aggregate classification (germline): Uncertain significance. Review status: criteria provided, multiple submitters, no conflicts (2 of 4 stars). 3 submissions from 3 submitters: Uncertain significance (3). Last evaluated 2024-06-08.

Conditions:
Cardiovascular phenotype. Identifiers: MedGen CN230736.
Arrhythmogenic cardiomyopathy with wooly hair and keratoderma. Also called: Dilated cardiomyopathy with woolly hair and keratoderma; PALMOPLANTAR KERATODERMA WITH LEFT VENTRICULAR CARDIOMYOPATHY AND WOOLLY HAIR; Carvajal syndrome; Arrhythmogenic cardiomyopathy with woolly hair and keratoderma. Identifiers: Orphanet 65282, MedGen C1854063, MONDO:0011581, OMIM 605676.
Arrhythmogenic right ventricular dysplasia 8 (ARVD8). Also called: Arrhythmogenic Right Ventricular Dysplasia/Cardiomyopathy 8; ARRHYTHMOGENIC RIGHT VENTRICULAR DYSPLASIA, FAMILIAL, 8; ARRHYTHMOGENIC RIGHT VENTRICULAR CARDIOMYOPATHY 8. Identifiers: MedGen C1843896, MONDO:0011831, OMIM 607450.
Cardiomyopathy (CMYO). Also called: Cardiomyopathies. Identifiers: Orphanet 167848, MedGen C0878544, MONDO:0004994, HP:0001638. Inheritance: Various modes of inheritance.

Allele frequency attached by ClinVar (database versions not stated): gnomAD exomes below 0.00001; TOPMed below 0.00001; gnomAD 0.00001.
gnomAD v4.1: 3 of 1,613,692 alleles (0.00019%); highest among the groups gnomAD compares: Non-Finnish European, 0.00025%; no homozygotes.

Submissions (3):

Labcorp Genetics (formerly Invitae), Labcorp
Classification: Uncertain significance for Arrhythmogenic cardiomyopathy with wooly hair and keratoderma; Arrhythmogenic right ventricular dysplasia 8. Last evaluated: 2024-06-08. Review status: criteria provided, single submitter. Criteria: Invitae Variant Classification Sherloc (09022015). Collection method: clinical testing. Allele origin: germline.
Comment: This sequence change replaces serine, which is neutral and polar, with leucine, which is neutral and non-polar, at codon 1883 of the DSP protein (p.Ser1883Leu). This variant is not present in population databases (gnomAD no frequency). This variant has not been reported in the literature in individuals affected with DSP-related conditions. ClinVar contains an entry for this variant (Variation ID: 1171100). An algorithm developed to predict the effect of missense changes on protein structure and function (PolyPhen-2) suggests that this variant is likely to be tolerated. In summary, the available evidence is currently insufficient to determine the role of this variant in disease. Therefore, it has been classified as a Variant of Uncertain Significance.

Color Diagnostics, LLC DBA Color Health
Classification: Uncertain significance for Cardiomyopathy. Last evaluated: 2024-03-06. Review status: criteria provided, single submitter. Criteria: ACMG Guidelines, 2015. Collection method: clinical testing. Allele origin: germline.
Comment: This missense variant replaces serine with leucine at codon 1883 of the DSP protein. Computational prediction suggests that this variant may not impact protein structure and function (internally defined REVEL score threshold <= 0.5, PMID: 27666373). To our knowledge, functional studies have not been reported for this variant. This variant has not been reported in individuals affected with cardiovascular disorders in the literature. This variant has not been identified in the general population by the Genome Aggregation Database (gnomAD). The available evidence is insufficient to determine the role of this variant in disease conclusively. Therefore, this variant is classified as a Variant of Uncertain Significance.

Ambry Genetics
Classification: Uncertain significance for Cardiovascular phenotype. Last evaluated: 2024-02-25. Review status: criteria provided, single submitter. Criteria: Ambry Variant Classification Scheme 2023. Collection method: clinical testing. Allele origin: germline.
Comment: The p.S1883L variant (also known as c.5648C>T), located in coding exon 24 of the DSP gene, results from a C to T substitution at nucleotide position 5648. The serine at codon 1883 is replaced by leucine, an amino acid with dissimilar properties. This amino acid position is conserved. In addition, this alteration is predicted to be tolerated by in silico analysis. Based on the available evidence, the clinical significance of this alteration remains unclear.